The following is an entry in ClinVar:

ClinVar aggregate classification (germline): Pathogenic/Likely pathogenic. Review status: criteria provided, multiple submitters, no conflicts (2 of 4 stars). 2 submissions from 2 submitters: Pathogenic (1); Likely pathogenic (1). Last evaluated 2023-09-21.

Conditions:
Acyl-CoA oxidase deficiency. Also called: Peroxisomal acyl-CoA oxidase deficiency; STRAIGHT-CHAIN ACYL-CoA OXIDASE DEFICIENCY; Pseudoneonatal adrenoleukodystrophy. Identifiers: Orphanet 2971, MedGen C1849678, MONDO:0009919, OMIM 264470. Disease mechanism: loss of function.
Mitchell syndrome. Identifiers: Orphanet 631248, MedGen C5394554, MONDO:0030073, OMIM 618960.

Submissions (2):

Baylor Genetics
Classification: Likely pathogenic for Mitchell syndrome. Last evaluated: 2023-09-21. Review status: criteria provided, single submitter. Criteria: ACMG Guidelines, 2015. Collection method: clinical testing. Allele origin: unknown.

Labcorp Genetics (formerly Invitae), Labcorp
Classification: Pathogenic for Acyl-CoA oxidase deficiency. Last evaluated: 2023-04-13. Review status: criteria provided, single submitter. Criteria: Invitae Variant Classification Sherloc (09022015). Collection method: clinical testing. Allele origin: germline.
Comment: This sequence change creates a premature translational stop signal (p.Asp573Ilefs*8) in the ACOX1 gene. It is expected to result in an absent or disrupted protein product. Loss-of-function variants in ACOX1 are known to be pathogenic (PMID: 8040306, 17458872). This variant is present in population databases (no rsID available, gnomAD 0.007%). This variant has not been reported in the literature in individuals affected with ACOX1-related conditions. ClinVar contains an entry for this variant (Variation ID: 656515). For these reasons, this variant has been classified as Pathogenic.

Literature cited by the submitters: PubMed 8040306 (cited by Labcorp Genetics (formerly Invitae), Labcorp); PubMed 17458872 (cited by Labcorp Genetics (formerly Invitae), Labcorp).

NM_004035.7(ACOX1):c.1717del (p.Asp573fs)

Gene: ACOX1 (acyl-CoA oxidase 1; minus strand). Cytogenetic location: 17q25.1.
Variant type: Deletion.
Coding change: c.1717del on transcript NM_004035.7 (MANE Select); coding-DNA position 1717, one base deleted (G; older notation c.1717delG).
Protein change: p.Asp573fs; shifts the reading frame from aspartic acid 573.
Molecular consequence: frameshift variant.
Genome position (GRCh38, 1-based): chr17:75,949,228, C deleted on the plus strand (G on the coding strand, the reverse complement: ACOX1 is on the minus strand); the first of 5 consecutive C bases (chr17:75,949,228-75,949,232); deleting any one gives the same sequence. VCF-style (leftmost placement, unchanged base first): chr17-75949227-TC-T. GRCh37 (hg19) VCF-style: chr17-73945308-TC-T.
Other names: c.1603del, p.Asp535fs (NM_001185039.2); c.1717del, p.Asp573fs (NM_007292.6); c.1717delG (NM_004035.6); short protein forms D573fs, D535fs.
Identifiers: ClinVar variation 656515 (VCV000656515.9), dbSNP rs1292759098, ClinGen allele CA627424062.
Genomic context (GRCh38, chr17:75,949,227, plus strand): 5'-ATTTTTCTTAAAACAACAACAAAAAAGACTTATACTTAGAAAATACTGACCTGAAGGAAA[TC>T]CCCCGCGTTCTGACTGATTCCATACAGAGAATACAGCAGACATAAACTCCTTAAGACAGC-3'